The following is an entry in ClinVar:

NM_000368.5(TSC1):c.2921T>G (p.Leu974Arg)

Gene: TSC1 (TSC complex subunit 1; minus strand). Cytogenetic location: 9q34.13.
Variant type: single nucleotide variant.
Coding change: c.2921T>G on transcript NM_000368.5 (MANE Select); coding-DNA position 2921, T replaced by G.
Protein change: p.Leu974Arg; replaces leucine 974 with arginine.
Molecular consequence: missense variant.
Genome position (GRCh38, 1-based): chr9:132,897,238, A>C on the plus strand (T>G on the coding strand, the complement: TSC1 is on the minus strand). VCF-style: chr9-132897238-A-C. GRCh37 (hg19) VCF-style: chr9-135772625-A-C.
Other names: c.2918T>G, p.Leu973Arg (NM_001162426.2); c.2768T>G, p.Leu923Arg (NM_001162427.2); c.2558T>G, p.Leu853Arg (NM_001362177.2); short protein forms L853R, L923R, L973R, L974R.
Identifiers: ClinVar variation 1061176 (VCV001061176.9), dbSNP rs2131624756, ClinGen allele CA375368505.

ClinVar aggregate classification (germline): Uncertain significance (1 of 4 stars; one submission).

Conditions:
Tuberous sclerosis 1 (TSC1). Identifiers: Orphanet 805, MedGen C1854465, MONDO:0008612, OMIM 191100.

Submission:

Labcorp Genetics (formerly Invitae), Labcorp
Classification: Uncertain significance for Tuberous sclerosis 1. Last evaluated: 2024-03-06. Review status: criteria provided, single submitter. Criteria: Invitae Variant Classification Sherloc (09022015). Collection method: clinical testing. Allele origin: germline.
Comment: This sequence change replaces leucine, which is neutral and non-polar, with arginine, which is basic and polar, at codon 974 of the TSC1 protein (p.Leu974Arg). This variant is not present in population databases (gnomAD no frequency). This variant has not been reported in the literature in individuals affected with TSC1-related conditions. ClinVar contains an entry for this variant (Variation ID: 1061176). Advanced modeling of protein sequence and biophysical properties (such as structural, functional, and spatial information, amino acid conservation, physicochemical variation, residue mobility, and thermodynamic stability) performed at Invitae indicates that this missense variant is not expected to disrupt TSC1 protein function with a negative predictive value of 95%. In summary, the available evidence is currently insufficient to determine the role of this variant in disease. Therefore, it has been classified as a Variant of Uncertain Significance.